The following is an entry in ClinVar:

ClinVar aggregate classification (germline): Uncertain significance (1 of 4 stars; one submission).

Conditions:
Cardiovascular phenotype. Identifiers: MedGen CN230736.

gnomAD v4.1: 15 of 1,143,565 alleles (0.0013%); highest among the groups gnomAD compares: South Asian, 0.022%; no homozygotes.

Submission:

Ambry Genetics
Classification: Uncertain significance for Cardiovascular phenotype. Last evaluated: 2024-12-26. Review status: criteria provided, single submitter. Criteria: Ambry Variant Classification Scheme 2023. Collection method: clinical testing. Allele origin: germline.
Comment: The p.A1196V variant (also known as c.3587C>T), located in coding exon 26 of the DMD gene, results from a C to T substitution at nucleotide position 3587. The alanine at codon 1196 is replaced by valine, an amino acid with similar properties. This variant has been detected in a dilated cardiomyopathy cohort (Mazzarotto F et al. Circulation, 2020 Feb;141:387-398). This amino acid position is highly conserved in available vertebrate species. In addition, this alteration is predicted to be tolerated by in silico analysis. Based on data from gnomAD, the T allele has an overall frequency of 0.003% (5/167492) total alleles studied, with 1 hemizygote(s) observed. The highest observed frequency was 0.0302% (5/16559) of South Asian alleles. Based on the available evidence, the clinical significance of this variant remains unclear.

Literature cited by the submitters: PubMed 31983221; PubMed 39588385.

NM_004006.3(DMD):c.3587C>T (p.Ala1196Val)

Gene: DMD (dystrophin; minus strand). Cytogenetic location: Xp21.1.
Variant type: single nucleotide variant.
Coding change: c.3587C>T on transcript NM_004006.3 (MANE Select); coding-DNA position 3587, C replaced by T.
Protein change: p.Ala1196Val; replaces alanine 1196 with valine.
Molecular consequence: missense variant.
Genome position (GRCh38, 1-based): chrX:32,454,678, G>A on the plus strand (C>T on the coding strand, the complement: DMD is on the minus strand). VCF-style: chrX-32454678-G-A. GRCh37 (hg19) VCF-style: chrX-32472795-G-A.
Other names: c.3563C>T, p.Ala1188Val (NM_000109.4); c.3575C>T, p.Ala1192Val (NM_004009.3); c.3218C>T, p.Ala1073Val (NM_004010.3); short protein forms A1192V, A1196V, A1073V, A1188V.
Identifiers: ClinVar variation 3840476 (VCV003840476.1).